The following is an entry in ClinVar:

NM_005228.5(EGFR):c.514T>C (p.Phe172Leu)

Gene: EGFR (epidermal growth factor receptor; plus strand). Cytogenetic location: 7p11.2.
Variant type: single nucleotide variant.
Coding change: c.514T>C on transcript NM_005228.5 (MANE Select); coding-DNA position 514, T replaced by C.
Protein change: p.Phe172Leu; replaces phenylalanine 172 with leucine.
Molecular consequence: missense variant. On other transcripts: intron variant (3).
Genome position (GRCh38, 1-based): chr7:55,146,695, T>C. VCF-style: chr7-55146695-T-C. GRCh37 (hg19) VCF-style: chr7-55214388-T-C.
Other names: c.514T>C (NM_005228.3); c.514T>C, p.Phe172Leu (NM_001346898.2, NM_201282.2, NM_201283.2 and 1 more transcripts); c.355T>C, p.Phe119Leu (NM_001346900.2); c.424+3207T>C (NM_001346899.2, NM_001346897.2); c.89-9135T>C (NM_001346941.2); short protein forms F119L, F172L.
Identifiers: ClinVar variation 1020327 (VCV001020327.11), dbSNP rs1794781796, ClinGen allele CA367576655.

ClinVar aggregate classification (germline): Uncertain significance. Review status: criteria provided, multiple submitters, no conflicts (2 of 4 stars). 2 submissions from 2 submitters: Uncertain significance (2). Last evaluated 2025-08-01.

Conditions:
Hereditary cancer-predisposing syndrome. Also called: Tumor predisposition; Neoplastic Syndromes, Hereditary; Hereditary neoplastic syndrome; Hereditary Cancer Syndrome. Identifiers: Orphanet 140162, MedGen C0027672, MeSH D009386, MONDO:0015356.
EGFR-related lung cancer (EGFR). Identifiers: MedGen CN130014.

Allele frequency attached by ClinVar (database versions not stated): gnomAD exomes below 0.00001.
gnomAD v4.1: 3 of 1,614,158 alleles (0.00019%); highest among the groups gnomAD compares: Non-Finnish European, 0.00025%; no homozygotes.

Submissions (2):

Ambry Genetics
Classification: Uncertain significance for Hereditary cancer-predisposing syndrome. Last evaluated: 2025-08-01. Review status: criteria provided, single submitter. Criteria: Ambry Variant Classification Scheme 2023. Collection method: clinical testing. Allele origin: germline.
Comment: The p.F172L variant (also known as c.514T>C), located in coding exon 4 of the EGFR gene, results from a T to C substitution at nucleotide position 514. The phenylalanine at codon 172 is replaced by leucine, an amino acid with highly similar properties. This amino acid position is conserved. In addition, this alteration is predicted to be tolerated by in silico analysis. Based on the available evidence, the clinical significance of this variant remains unclear.

Labcorp Genetics (formerly Invitae), Labcorp
Classification: Uncertain significance for EGFR-related lung cancer. Last evaluated: 2024-12-20. Review status: criteria provided, single submitter. Criteria: Invitae Variant Classification Sherloc (09022015). Collection method: clinical testing. Allele origin: germline.
Comment: This sequence change replaces phenylalanine, which is neutral and non-polar, with leucine, which is neutral and non-polar, at codon 172 of the EGFR protein (p.Phe172Leu). This variant is not present in population databases (gnomAD no frequency). This variant has not been reported in the literature in individuals affected with EGFR-related conditions. ClinVar contains an entry for this variant (Variation ID: 1020327). An algorithm developed to predict the effect of missense changes on protein structure and function (PolyPhen-2) suggests that this variant is likely to be tolerated. In summary, the available evidence is currently insufficient to determine the role of this variant in disease. Therefore, it has been classified as a Variant of Uncertain Significance.